The following is an entry in ClinVar:

ClinVar aggregate classification (germline): Uncertain significance. Review status: criteria provided, multiple submitters, no conflicts (2 of 4 stars). 2 submissions from 2 submitters: Uncertain significance (2). Last evaluated 2024-08-07.

Conditions:
Epilepsy, familial adult myoclonic, 5 (EPEO5). Also called: CORTICAL MYOCLONIC TREMOR WITH EPILEPSY, FAMILIAL, 5. Identifiers: Orphanet 86814, MedGen C3809374, MONDO:0014167, OMIM 615400.

Allele frequency attached by ClinVar (database versions not stated): gnomAD 0.00003; TOPMed 0.00003; gnomAD exomes 0.00003; ExAC 0.00003.
gnomAD v4.1: 29 of 1,613,926 alleles (0.0018%); highest among the groups gnomAD compares: Middle Eastern, 0.033%; no homozygotes.

Submissions (2):

Ambry Genetics
Classification: Uncertain significance. Last evaluated: 2024-08-07. Review status: criteria provided, single submitter. Criteria: Ambry Variant Classification Scheme 2023. Collection method: clinical testing. Allele origin: germline.

Labcorp Genetics (formerly Invitae), Labcorp
Classification: Uncertain significance for Epilepsy, familial adult myoclonic, 5. Last evaluated: 2022-06-05. Review status: criteria provided, single submitter. Criteria: Invitae Variant Classification Sherloc (09022015). Collection method: clinical testing. Allele origin: germline.
Comment: This sequence change replaces arginine, which is basic and polar, with cysteine, which is neutral and slightly polar, at codon 646 of the CNTN2 protein (p.Arg646Cys). This variant is present in population databases (rs771294491, gnomAD 0.01%). This variant has not been reported in the literature in individuals affected with CNTN2-related conditions. ClinVar contains an entry for this variant (Variation ID: 1415112). Advanced modeling of protein sequence and biophysical properties (such as structural, functional, and spatial information, amino acid conservation, physicochemical variation, residue mobility, and thermodynamic stability) performed at Invitae indicates that this missense variant is not expected to disrupt CNTN2 protein function. In summary, the available evidence is currently insufficient to determine the role of this variant in disease. Therefore, it has been classified as a Variant of Uncertain Significance.

NM_005076.5(CNTN2):c.1936C>T (p.Arg646Cys)

Gene: CNTN2 (contactin 2; plus strand). Cytogenetic location: 1q32.1.
Variant type: single nucleotide variant.
Coding change: c.1936C>T on transcript NM_005076.5 (MANE Select); coding-DNA position 1936, C replaced by T.
Protein change: p.Arg646Cys; replaces arginine 646 with cysteine.
Molecular consequence: missense variant. On other transcripts: non-coding transcript variant (1).
Genome position (GRCh38, 1-based): chr1:205,066,560, C>T. VCF-style: chr1-205066560-C-T. GRCh37 (hg19) VCF-style: chr1-205035688-C-T.
Other names: c.1936C>T, p.Arg646Cys (NM_001346083.2); c.1936C>T (NM_005076.3); short protein forms R646C.
Identifiers: ClinVar variation 1415112 (VCV001415112.4), dbSNP rs771294491, ClinGen allele CA1351530.
Genomic context (GRCh38, chr1:205,066,560, plus strand): 5'-CTCAGCTGGAGCCGTGGCTTCGACAACCACAGCCCCATCGCTAAGTACACCCTGCAAGCT[C>T]GCACTCCACCTGCAGGGAAGTGGAAGCAGGTTCGGACCAGTAAGTGTGAGCCCCACCTGG-3'
Protein context (NP_005067.1, residues 636-656): SPIAKYTLQA[Arg646Cys]TPPAGKWKQV